The following is an entry in ClinVar:

NM_001354768.3(NRL):c.711C>G (p.Leu237=)

Genes: NRL (neural retina leucine zipper; minus strand), LOC130055387 (ATAC-STARR-seq lymphoblastoid silent region 5620; plus strand). Cytogenetic location: 14q11.2.
Variant type: single nucleotide variant.
Coding change: c.711C>G on transcript NM_001354768.3 (MANE Select); coding-DNA position 711, C replaced by G.
Protein change: p.Leu237=; no amino-acid change (leucine 237 retained).
Molecular consequence: synonymous variant.
Genome position (GRCh38, 1-based): chr14:24,081,239, G>C on the plus strand (C>G on the coding strand, the complement: NRL is on the minus strand). VCF-style: chr14-24081239-G-C. GRCh37 (hg19) VCF-style: chr14-24550448-G-C.
Other names: c.711C>G, p.Leu237= (NM_001354769.1, NM_006177.5); c.396C>G, p.Leu132= (NM_001354770.2).
Identifiers: ClinVar variation 167386 (VCV000167386.31), dbSNP rs8009051, ClinGen allele CA180256.
Genomic context (GRCh38, chr14:24,081,239, plus strand): 5'-TCCTGGGCGGAGCCACCCCACCCAGCCCCCACTACACCACAAGGTGCTCTGAACGGCTCA[G>C]AGGAAGAGGTGGGAGGGGTCCCCGGACCCGGGGCCGCTCGAGGTTAGCCGGTCACAGCGA-3'
Protein context (NP_001341697.1, residues 227-237): PGSGDPSHLF[Leu237=]

ClinVar aggregate classification (germline): Benign/Likely benign. Review status: criteria provided, multiple submitters, no conflicts (2 of 4 stars). 8 submissions from 8 submitters: Benign (5); Likely benign (1). 2 of the submissions do not count toward it. Last evaluated 2026-01-19.

Conditions:
Retinitis pigmentosa (RP). Identifiers: Orphanet 791, MedGen C0035334, MeSH D012174, MONDO:0019200, OMIM 268000. Inheritance: Autosomal dominant, autosomal recessive and X linked inheritance.

Allele frequency attached by ClinVar (database versions not stated): gnomAD exomes 0.00044; ExAC 0.00160; ESP Exome Variant Server 0.00366; 1000 Genomes Project 0.00379; 1000 Genomes Project 30x 0.00390; gnomAD 0.00422; TOPMed 0.00442.
gnomAD v4.1: 1,163 of 1,492,974 alleles (0.078%); highest among the groups gnomAD compares: African/African-American, 1.5%; 9 homozygotes.

Submissions (8):

Labcorp Genetics (formerly Invitae), Labcorp
Classification: Benign. Last evaluated: 2026-01-19. Review status: criteria provided, single submitter. Criteria: Invitae Variant Classification Sherloc (09022015). Collection method: clinical testing. Allele origin: germline.

Blueprint Genetics
Classification: Likely benign. Last evaluated: 2024-11-13. Review status: criteria provided, single submitter. Criteria: ACMG Guidelines, 2015. Collection method: clinical testing. Allele origin: germline.

ARUP Laboratories, Molecular Genetics and Genomics, ARUP Laboratories
Classification: Benign. Last evaluated: 2023-11-22. Review status: criteria provided, single submitter. Criteria: ARUP Molecular Germline Variant Investigation Process 2024. Collection method: clinical testing. Allele origin: germline.

Illumina Laboratory Services, Illumina
Classification: Benign for Retinitis pigmentosa. Last evaluated: 2018-01-13. Review status: criteria provided, single submitter. Criteria: ICSL Variant Classification Criteria 13 December 2019. Collection method: clinical testing. Allele origin: germline.
Comment: This variant was observed in the ICSL laboratory as part of a predisposition screen in an ostensibly healthy population. It had not been previously curated by ICSL or reported in the Human Gene Mutation Database (HGMD: prior to June 1st, 2018), and was therefore a candidate for classification through an automated scoring system. Utilizing variant allele frequency, disease prevalence and penetrance estimates, and inheritance mode, an automated score was calculated to assess if this variant is too frequent to cause the disease. Based on the score and internal cut-off values, a variant classified as benign is not then subjected to further curation. The score for this variant resulted in a classification of benign for this disease.

Eurofins Ntd Llc (ga)
Classification: Benign. Last evaluated: 2013-12-17. Review status: criteria provided, single submitter. Criteria: EGL Classification Definitions 2015. Collection method: clinical testing. Allele origin: germline. Observed: 1 variant allele, 1 heterozygote.

Breakthrough Genomics
Classification: Benign. Review status: criteria provided, single submitter. Criteria: ACMG Guidelines, 2015. Collection method: not provided. Allele origin: germline. Inheritance: Autosomal dominant inheritance. Affected: yes.

Clinical Genetics DNA and cytogenetics Diagnostics Lab, Erasmus MC, Erasmus Medical Center
Classification: Benign. Review status: no assertion criteria provided. Collection method: clinical testing. Allele origin: germline. Affected: yes. Study: VKGL Data-share Consensus. Not counted in ClinVar's aggregate classification.

Clinical Genetics, Academic Medical Center
Classification: Benign. Review status: no assertion criteria provided. Collection method: clinical testing. Allele origin: germline. Affected: yes. Study: VKGL Data-share Consensus. Not counted in ClinVar's aggregate classification.